The following is an entry in ClinVar:

NM_001276270.2(MBD4):c.142G>A (p.Glu48Lys)

Gene: MBD4 (methyl-CpG binding domain 4, DNA glycosylase; minus strand). Cytogenetic location: 3q21.3.
Variant type: single nucleotide variant.
Coding change: c.142G>A on transcript NM_001276270.2 (MANE Select); coding-DNA position 142, G replaced by A.
Protein change: p.Glu48Lys; replaces glutamic acid 48 with lysine.
Molecular consequence: missense variant.
Genome position (GRCh38, 1-based): chr3:129,437,913, C>T on the plus strand (G>A on the coding strand, the complement: MBD4 is on the minus strand). VCF-style: chr3-129437913-C-T. GRCh37 (hg19) VCF-style: chr3-129156756-C-T.
Other names: c.142G>A, p.Glu48Lys (NM_001276271.2, NM_001276272.2, NM_001276273.2 and 1 more transcripts); short protein forms E48K.
Identifiers: ClinVar variation 4718864 (VCV004718864.1).

ClinVar aggregate classification (germline): Uncertain significance (1 of 4 stars; one submission).

Submission:

Labcorp Genetics (formerly Invitae), Labcorp
Classification: Uncertain significance. Last evaluated: 2025-05-04. Review status: criteria provided, single submitter. Criteria: Invitae Variant Classification Sherloc (09022015). Collection method: clinical testing. Allele origin: germline.
Comment: This sequence change replaces glutamic acid, which is acidic and polar, with lysine, which is basic and polar, at codon 48 of the MBD4 protein (p.Glu48Lys). This variant is not present in population databases (gnomAD no frequency). This variant has not been reported in the literature in individuals affected with MBD4-related conditions. An algorithm developed to predict the effect of missense changes on protein structure and function outputs the following: PolyPhen-2: "Benign". The lysine amino acid residue is found in multiple mammalian species, which suggests that this missense change does not adversely affect protein function. In summary, the available evidence is currently insufficient to determine the role of this variant in disease. Therefore, it has been classified as a Variant of Uncertain Significance.